The following is an entry in ClinVar:

ClinVar aggregate classification (germline): Pathogenic. Review status: reviewed by expert panel (3 of 4 stars). 12 submissions from 12 submitters: Pathogenic (1). 11 of the submissions do not count toward it. Last evaluated 2013-09-05.

Conditions:
Hereditary cancer-predisposing syndrome. Also called: Tumor predisposition; Hereditary Cancer Syndrome; Hereditary neoplastic syndrome; Neoplastic Syndromes, Hereditary. Identifiers: Orphanet 140162, MedGen C0027672, MeSH D009386, MONDO:0015356.
Lynch syndrome. Identifiers: Orphanet 144, MedGen C4552100, MONDO:0005835. Disease mechanism: loss of function.
Hereditary nonpolyposis colorectal neoplasms. Identifiers: MedGen C0009405, MeSH D003123.
Lynch syndrome 5 (LYNCH5). Also called: Colorectal cancer, hereditary nonpolyposis, type 5; Hereditary non-polyposis colorectal cancer, type 5. Identifiers: Orphanet 144, MedGen C1833477, MONDO:0013710, OMIM 614350. Disease mechanism: loss of function.
Mismatch repair cancer syndrome 1 (MMRCS1). Also called: BRAIN TUMOR-POLYPOSIS SYNDROME 1; BTP1 SYNDROME; CHILDHOOD CANCER SYNDROME; MISMATCH REPAIR DEFICIENCY; MMR DEFICIENCY. Identifiers: Orphanet 252202, MedGen C5399763, MONDO:0010159, OMIM 276300. Disease mechanism: loss of function.
Endometrial carcinoma. Also called: Endometrial carcinoma, somatic. Identifiers: MedGen C0476089, MONDO:0002447, OMIM 608089, HP:0012114.

Allele frequency attached by ClinVar (database versions not stated): TOPMed below 0.00001.

Submissions (12):

International Society for Gastrointestinal Hereditary Tumours (InSiGHT)
Classification: Pathogenic for Lynch Syndrome. Last evaluated: 2013-09-05. Review status: reviewed by expert panel. Criteria: Guidelines v1.9. Collection method: research. Allele origin: germline.
Comment: Coding sequence variation resulting in a stop codon

Classified with v1.9 guidelines

Labcorp Genetics (formerly Invitae), Labcorp
Classification: Pathogenic for Hereditary nonpolyposis colorectal neoplasms. Last evaluated: 2025-11-17. Review status: criteria provided, single submitter. Criteria: Invitae Variant Classification Sherloc (09022015). Collection method: clinical testing. Allele origin: germline. Not counted in ClinVar's aggregate classification.
Comment: This sequence change creates a premature translational stop signal (p.Tyr1256*) in the MSH6 gene. It is expected to result in an absent or disrupted protein product. Loss-of-function variants in MSH6 are known to be pathogenic (PMID: 18269114, 24362816). This variant is not present in population databases (gnomAD no frequency). This premature translational stop signal has been observed in individual(s) with endometrial cancer and suspected Lynch syndrome (PMID: 16885385, 25430799, 26552419). Invitae Evidence Modeling of clinical and family history, age, sex, and reported ancestry of multiple individuals with this MSH6 variant has been performed. This variant is expected to be pathogenic with a positive predictive value of at least 99%. This is a validated machine learning model that incorporates the clinical features of 1,627,235 individuals referred to our laboratory for MSH6 testing. ClinVar contains an entry for this variant (Variation ID: 89458). For these reasons, this variant has been classified as Pathogenic.

Color Diagnostics, LLC DBA Color Health
Classification: Pathogenic for Hereditary cancer-predisposing syndrome. Last evaluated: 2025-03-17. Review status: criteria provided, single submitter. Criteria: ACMG Guidelines, 2015. Collection method: clinical testing. Allele origin: germline. Not counted in ClinVar's aggregate classification.
Comment: This variant changes 1 nucleotide in exon 8 of the MSH6 gene, creating a premature translation stop signal. This variant is expected to result in an absent or non-functional protein product. This variant has been reported in individuals affected with Lynch syndrome-associated cancers, with some individual's tumor data showing high microsatellite instability and/or loss of MSH6 protein expression via immunohistochemsitry (PMID: 16885385, 17909073, 25430799, 26552419, 29345684, 33393477; ClinVar SCV000580173.5). This variant has not been identified in the general population by the Genome Aggregation Database (gnomAD). Loss of MSH6 function is a known mechanism of disease. Based on the available evidence, this variant is classified as Pathogenic.

Ambry Genetics
Classification: Pathogenic for Hereditary cancer-predisposing syndrome. Last evaluated: 2025-02-11. Review status: criteria provided, single submitter. Criteria: Ambry Variant Classification Scheme 2023. Collection method: clinical testing. Allele origin: germline. Not counted in ClinVar's aggregate classification.
Comment: The p.Y1256* pathogenic mutation (also known as c.3768T>G), located in coding exon 8 of the MSH6 gene, results from a T to G substitution at nucleotide position 3768. This changes the amino acid from a tyrosine to a stop codon within coding exon 8. This mutation has been detected in multiple individuals with hereditary non-polyposis colorectal cancer (HNPCC)/Lynch syndrome; several whose tumors demonstrated high microsatellite instability and/or loss of MSH6 by immunohistochemistry (IHC) (Hampel H et al. Cancer Res, 2006 Aug;66:7810-7; Hampel H et al. Cancer Res., 2007 Oct;67:9603; Goldberg Y et al. Clin Genet, 2015 Jun;87:549-53; Goodfellow PJ et al. J Clin Oncol, 2015 Dec;33:4301-8; Roberts ME et al. Genet Med, 2018 10;20:1167-1174; Ambry internal data). In addition to the clinical data presented in the literature, this alteration is expected to result in loss of function by premature protein truncation or nonsense-mediated mRNA decay. As such, this alteration is interpreted as a disease-causing mutation.

All of Us Research Program, National Institutes of Health
Classification: Pathogenic for Lynch syndrome. Last evaluated: 2024-01-05. Review status: criteria provided, single submitter. Criteria: ACMG Guidelines, 2015. Collection method: clinical testing. Allele origin: germline. Inheritance: Autosomal dominant inheritance. Observed: 3 variant alleles, 3 heterozygotes. Not counted in ClinVar's aggregate classification.
Comment: The c.3768T>G (p.Tyr1256*) variant in the MSH6 gene is located on the exon 8 and introduces a premature translation termination codon (p.Tyr1256*), resulting in an absent or disrupted protein product. The variant has been identified in multiple individuals with Lynch syndrome-associated cancer (PMID: 25430799, 33393477, 26552419, 16885385). Loss-of-function variants in MSH6 are known to be pathogenic (PMID: 30376427, 18269114). The variant is reported in ClinVar as pathogenic (ID: 89458) and reviewed by the expert panel. The variant is absent in the general population database (gnomAD). Therefore, the c.3768T>G (p.Tyr1256*) variant of MSH6 has been classified as pathogenic.

This study involves interpretation of variants in research participants for the purpose of population health screening. Participant phenotype was not available at the time of variant classification. Additional details can be found in publication PMID: 35346344, PMCID: PMC8962531

GeneDx
Classification: Pathogenic. Last evaluated: 2023-12-20. Review status: criteria provided, single submitter. Criteria: GeneDx Variant Classification Process June 2021. Collection method: clinical testing. Allele origin: germline. Affected: yes. Not counted in ClinVar's aggregate classification.
Comment: Nonsense variant predicted to result in protein truncation or nonsense mediated decay in a gene for which loss-of-function is a known mechanism of disease; Observed in patients with Lynch-related cancers and tumor studies consistent with pathogenic variants in this gene (PMID: 25430799, 26552419, 17909073); Not observed in large population cohorts (gnomAD); Truncating variants in this gene are considered pathogenic by a well-established clinical consortium and/or database; This variant is associated with the following publications: (PMID: 16885385, 25430799, 26552419, 17909073, 30787465)

Baylor Genetics
Classification: Pathogenic for Endometrial carcinoma. Last evaluated: 2023-12-10. Review status: criteria provided, single submitter. Criteria: ACMG Guidelines, 2015. Collection method: clinical testing. Allele origin: unknown. Not counted in ClinVar's aggregate classification.

Quest Diagnostics Nichols Institute San Juan Capistrano
Classification: Pathogenic. Last evaluated: 2023-10-20. Review status: criteria provided, single submitter. Criteria: Quest Diagnostics criteria. Collection method: clinical testing. Allele origin: unknown. Not counted in ClinVar's aggregate classification.
Comment: The MSH6 c.3768T>G (p.Tyr1256*) variant causes the premature termination of MSH6 protein synthesis. This variant has been reported in the published literature in multiple individuals with endometrial cancer (PMIDs: 26552419 (2015), 16885385 (2006)) and Lynch syndrome (PMIDs: 37030500 (2023), 33393477 (2021), 30877237 (2019), 25430799 (2015)). This variant has not been reported in large, multi-ethnic general populations (Genome Aggregation Database). Based on the available information, this variant is classified as pathogenic.

Myriad Genetics, Inc.
Classification: Pathogenic for Lynch syndrome 5. Last evaluated: 2023-08-25. Review status: criteria provided, single submitter. Criteria: Myriad Autosomal Dominant, Autosomal Recessive and X-Linked Classification Criteria (2023). Collection method: clinical testing. Allele origin: unknown. Not counted in ClinVar's aggregate classification.
Comment: This variant is considered pathogenic. This variant creates a termination codon and is predicted to result in premature protein truncation.

Laboratory for Molecular Medicine, Mass General Brigham Personalized Medicine
Classification: Pathogenic for Lynch syndrome. Last evaluated: 2023-01-13. Review status: criteria provided, single submitter. Criteria: ACMG Guidelines, 2015. Collection method: clinical testing. Allele origin: germline. Inheritance: Autosomal dominant inheritance. Not counted in ClinVar's aggregate classification.
Comment: The p.Tyr1256Ter variant in MSH6 has been reported in three individuals with MSH6-related cancers (Hampel 2007 PMID: 17909073, Roberts 2018 PMID: 29345684). It was absent from large population studies. This variant was classified as pathogenic on September 5, 2013 by the ClinGen-approved InSiGHT expert panel (Variation ID 89458). This nonsense variant leads to a premature termination codon at position 1256, which is predicted to lead to a truncated or absent protein. Loss of function of the MSH6 gene is an established disease mechanism in autosomal dominant Lynch syndrome. In summary, this variant meets criteria to be classified as pathogenic for autosomal dominant Lynch syndrome. ACMG/AMP Criteria applied: PVS1, PM2_Supporting, PS4_Supporting.

Revvity Omics, Revvity
Classification: Pathogenic. Last evaluated: 2022-05-04. Review status: criteria provided, single submitter. Criteria: ACMG Guidelines, 2015. Collection method: clinical testing. Allele origin: germline. Not counted in ClinVar's aggregate classification.

Mayo Clinic Laboratories, Mayo Clinic
Classification: Pathogenic. Review status: no assertion criteria provided. Collection method: research. Allele origin: unknown. Observed: 1 variant allele. Not counted in ClinVar's aggregate classification.

Literature cited by the submitters: PubMed 18269114 (cited by Labcorp Genetics (formerly Invitae), Labcorp and All of Us Research Program, National Institutes of Health); PubMed 24362816 (cited by Labcorp Genetics (formerly Invitae), Labcorp); PubMed 16885385 (cited by 5 submitters); PubMed 25430799 (cited by 5 submitters); PubMed 26552419 (cited by 5 submitters); PubMed 17909073 (cited by 3 submitters); PubMed 29345684 (cited by Color Diagnostics, LLC DBA Color Health and Ambry Genetics); PubMed 33393477 (cited by 3 submitters); PubMed 30376427 (cited by All of Us Research Program, National Institutes of Health); PubMed 37030500 (cited by Quest Diagnostics Nichols Institute San Juan Capistrano); PubMed 30877237 (cited by Quest Diagnostics Nichols Institute San Juan Capistrano).

NM_000179.3(MSH6):c.3768T>G (p.Tyr1256Ter)

Gene: MSH6 (mutS homolog 6; plus strand). Cytogenetic location: 2p16.3.
Variant type: single nucleotide variant.
Coding change: c.3768T>G on transcript NM_000179.3 (MANE Select); coding-DNA position 3768, T replaced by G.
Protein change: p.Tyr1256Ter; replaces tyrosine 1256 with a stop codon.
Molecular consequence: nonsense.
Genome position (GRCh38, 1-based): chr2:47,806,325, T>G. VCF-style: chr2-47806325-T-G. GRCh37 (hg19) VCF-style: chr2-48033464-T-G.
Other names: c.3378T>G, p.Tyr1126Ter (NM_001281492.2); c.2862T>G, p.Tyr954Ter (NM_001281493.2, NM_001281494.2); short protein forms Y1256*, Y954*, Y1126*.
Identifiers: ClinVar variation 89458 (VCV000089458.36), dbSNP rs63751058, ClinGen allele CA014232.
Genomic context (GRCh38, chr2:47,806,325, plus strand): 5'-TGAGACTATAAAATGTCGTACATTATTTTCAACTCACTACCATTCATTAGTAGAAGATTA[T>G]TCTCAAAATGTTGCTGTGCGCCTAGGACATATGGTATGTGCAAATTGTTTTTTTCCACAA-3'